The following is an entry in ClinVar:

NM_001267550.2(TTN):c.53543del (p.Pro17848fs)

Genes: TTN (titin; minus strand), TTN-AS1 (TTN antisense RNA 1; plus strand). Cytogenetic location: 2q31.2.
Variant type: Deletion.
Coding change: c.53543del on transcript NM_001267550.2 (MANE Select); coding-DNA position 53543, one base deleted (C; older notation c.53543delC).
Protein change: p.Pro17848fs; shifts the reading frame from proline 17848.
Molecular consequence: frameshift variant.
Genome position (GRCh38, 1-based): chr2:178,607,059, G deleted on the plus strand (C on the coding strand, the reverse complement: TTN is on the minus strand); the first of 2 consecutive G bases (chr2:178,607,059-178,607,060); deleting either gives the same sequence. VCF-style (leftmost placement, unchanged base first): chr2-178607058-AG-A. GRCh37 (hg19) VCF-style: chr2-179471785-AG-A.
Other names: c.48620del, p.Pro16207fs (NM_001256850.1); c.26348del, p.Pro8783fs (NM_003319.4); c.45839del, p.Pro15280fs (NM_133378.4); c.26723del, p.Pro8908fs (NM_133432.3); c.26924del, p.Pro8975fs (NM_133437.4); c.26348delC (NM_003319.4); short protein forms P17848fs, P16207fs, P15280fs, P8783fs, P8908fs, P8975fs.
Identifiers: ClinVar variation 1794093 (VCV001794093.2), dbSNP rs2470272284, ClinGen allele CA2580064924.
Genomic context (GRCh38, chr2:178,607,058, plus strand): 5'-CACAATGAAACCTTCTCTTTTACCTAGTGGATCAACTGCAAGAATTGGTCCTATTTCAAC[AG>A]GAGGGCCACAGCCAAACTTGTTCTTGGCAATAACACGGAACTTATATTCTTGTCCCTCAA-3'

ClinVar aggregate classification (germline): Likely pathogenic (1 of 4 stars; one submission).

Conditions:
Cardiovascular phenotype. Identifiers: MedGen CN230736.

Submission:

Ambry Genetics
Classification: Likely pathogenic for Cardiovascular phenotype. Last evaluated: 2021-09-07. Review status: criteria provided, single submitter. Criteria: Ambry Variant Classification Scheme 2023. Collection method: clinical testing. Allele origin: germline.
Comment: The c.26348delC variant, located in coding exon 105 of the TTN gene, results from a deletion of one nucleotide at nucleotide position 26348, causing a translational frameshift with a predicted alternate stop codon (p.P8783Lfs*4). This exon is located in the A-band region of the N2-B isoform of the titin protein and is constitutively expressed in TTN transcripts (percent spliced in or PSI 100%). This variant is considered to be rare based on population cohorts in the Genome Aggregation Database (gnomAD). This alteration is expected to result in loss of function by premature protein truncation or nonsense-mediated mRNA decay. While truncating variants in TTN are present in 1-3% of the general population, truncating variants in the A-band are the most common cause of dilated cardiomyopathy (DCM) (Herman DS et al. N. Engl. J. Med., 2012 Feb;366:619-28; Roberts AM et al. Sci Transl Med, 2015 Jan;7:270ra6). TTN truncating variants encoded in constitutive exons (PSI >90%) have been found to be significantly associated with DCM regardless of their position in titin (Schafer S et al. Nat. Genet., 2017 01;49:46-53). As such, this alteration is classified as likely pathogenic.